The following is an entry in ClinVar:

ClinVar aggregate classification (germline): Uncertain significance (1 of 4 stars; one submission).

gnomAD v4.1: 6 of 1,614,094 alleles (0.00037%); highest among the groups gnomAD compares: South Asian, 0.0033%; no homozygotes.

Submission:

Labcorp Genetics (formerly Invitae), Labcorp
Classification: Uncertain significance. Last evaluated: 2024-03-14. Review status: criteria provided, single submitter. Criteria: Invitae Variant Classification Sherloc (09022015). Collection method: clinical testing. Allele origin: germline.
Comment: This sequence change replaces glycine, which is neutral and non-polar, with arginine, which is basic and polar, at codon 2373 of the FN1 protein (p.Gly2373Arg). This variant is present in population databases (rs754861847, gnomAD 0.003%). This variant has not been reported in the literature in individuals affected with FN1-related conditions. An algorithm developed to predict the effect of missense changes on protein structure and function (PolyPhen-2) suggests that this variant is likely to be disruptive. In summary, the available evidence is currently insufficient to determine the role of this variant in disease. Therefore, it has been classified as a Variant of Uncertain Significance.

NM_212482.4(FN1):c.7117G>A (p.Gly2373Arg)

Genes: ATIC (5-aminoimidazole-4-carboxamide ribonucleotide formyltransferase/IMP cyclohydrolase; plus strand), FN1 (fibronectin 1; minus strand). Cytogenetic location: 2q35.
Variant type: single nucleotide variant.
Coding change: c.7117G>A on transcript NM_212482.4 (MANE Select); coding-DNA position 7117, G replaced by A.
Protein change: p.Gly2373Arg; replaces glycine 2373 with arginine.
Molecular consequence: missense variant.
Genome position (GRCh38, 1-based): chr2:215,365,532, C>T on the plus strand (G>A on the coding strand, the complement: FN1 is on the minus strand). VCF-style: chr2-215365532-C-T. GRCh37 (hg19) VCF-style: chr2-216230255-C-T.
Other names: c.7024G>A, p.Gly2342Arg (NM_001306129.2); c.6487G>A, p.Gly2163Arg (NM_001306130.2); c.6481G>A, p.Gly2161Arg (NM_001306131.2); c.6406G>A, p.Gly2136Arg (NM_001306132.2); c.6847G>A, p.Gly2283Arg (NM_001365517.2); c.6844G>A, p.Gly2282Arg (NM_001365518.2); c.6772G>A, p.Gly2258Arg (NM_001365519.2); c.6769G>A, p.Gly2257Arg (NM_001365520.2); and 8 more; short protein forms G2136R, G2161R, G2163R, G2226R, G2283R, G2072R, G2162R, G2167R.
Identifiers: ClinVar variation 3697623 (VCV003697623.2).